The following is an entry in ClinVar:

ClinVar aggregate classification (germline): Uncertain significance. Review status: criteria provided, multiple submitters, no conflicts (2 of 4 stars). 3 submissions from 3 submitters: Uncertain significance (3). Last evaluated 2024-09-25.

Conditions:
Severe combined immunodeficiency due to DNA-PKcs deficiency. Also called: IMMUNODEFICIENCY 26 WITH NEUROLOGIC ABNORMALITIES; Immunodeficiency 26 with or without neurologic abnormalities. Identifiers: Orphanet 317425, MedGen C4014833, MONDO:0014423, OMIM 615966.

Allele frequency attached by ClinVar (database versions not stated): gnomAD exomes 0.00001; TOPMed 0.00001; ExAC 0.00003.
gnomAD v4.1: 17 of 1,610,826 alleles (0.0011%); highest among the groups gnomAD compares: Non-Finnish European, 0.0014%; no homozygotes.

Submissions (3):

Blueprint Genetics
Classification: Uncertain significance. Last evaluated: 2024-09-25. Review status: criteria provided, single submitter. Criteria: ACMG Guidelines, 2015. Collection method: clinical testing. Allele origin: germline.

Labcorp Genetics (formerly Invitae), Labcorp
Classification: Uncertain significance for Severe combined immunodeficiency due to DNA-PKcs deficiency. Last evaluated: 2022-06-18. Review status: criteria provided, single submitter. Criteria: Invitae Variant Classification Sherloc (09022015). Collection method: clinical testing. Allele origin: germline.
Comment: This sequence change replaces glycine, which is neutral and non-polar, with arginine, which is basic and polar, at codon 4024 of the PRKDC protein (p.Gly4024Arg). In summary, the available evidence is currently insufficient to determine the role of this variant in disease. Therefore, it has been classified as a Variant of Uncertain Significance. Experimental studies and prediction algorithms are not available or were not evaluated, and the functional significance of this variant is currently unknown. This variant has not been reported in the literature in individuals affected with PRKDC-related conditions. This variant is present in population databases (rs757195045, gnomAD 0.005%).

Ambry Genetics
Classification: Uncertain significance. Last evaluated: 2022-03-20. Review status: criteria provided, single submitter. Criteria: Ambry Variant Classification Scheme 2023. Collection method: clinical testing. Allele origin: germline.
Comment: The p.G4024R variant (also known as c.12070G>A), located in coding exon 85 of the PRKDC gene, results from a G to A substitution at nucleotide position 12070. The glycine at codon 4024 is replaced by arginine, an amino acid with dissimilar properties. This amino acid position is conserved. In addition, the in silico prediction for this alteration is inconclusive. Since supporting evidence is limited at this time, the clinical significance of this alteration remains unclear.

NM_006904.7(PRKDC):c.12070G>A (p.Gly4024Arg)

Gene: PRKDC (protein kinase, DNA-activated, catalytic subunit; minus strand). Cytogenetic location: 8q11.21.
Variant type: single nucleotide variant.
Coding change: c.12070G>A on transcript NM_006904.7 (MANE Select); coding-DNA position 12070, G replaced by A.
Protein change: p.Gly4024Arg; replaces glycine 4024 with arginine.
Molecular consequence: missense variant.
Genome position (GRCh38, 1-based): chr8:47,776,956, C>T on the plus strand (G>A on the coding strand, the complement: PRKDC is on the minus strand). VCF-style: chr8-47776956-C-T. GRCh37 (hg19) VCF-style: chr8-48689517-C-T.
Other names: c.11977G>A, p.Gly3993Arg (NM_001081640.2); short protein forms G3993R, G4024R.
Identifiers: ClinVar variation 1748985 (VCV001748985.6), dbSNP rs757195045, ClinGen allele CA4738906.